The following is an entry in ClinVar:

ClinVar aggregate classification (germline): Likely benign (0 of 4 stars; one submission).

Conditions:
COMT-related disorder. Also called: COMT-related condition.

gnomAD v4.1: 11 of 1,613,698 alleles (0.00068%); highest among the groups gnomAD compares: East Asian, 0.0067%; no homozygotes.

Submission:

PreventionGenetics, part of Exact Sciences
Classification: Likely benign for COMT-related condition. Last evaluated: 2019-02-19. Review status: no assertion criteria provided. Collection method: clinical testing. Allele origin: germline.
Comment: This variant is classified as likely benign based on ACMG/AMP sequence variant interpretation guidelines (Richards et al. 2015 PMID: 25741868, with internal and published modifications).

NM_000754.4(COMT):c.207C>T (p.Pro69=)

Gene: COMT (catechol-O-methyltransferase; plus strand). Cytogenetic location: 22q11.21.
Variant type: single nucleotide variant.
Coding change: c.207C>T on transcript NM_000754.4 (MANE Select); coding-DNA position 207, C replaced by T.
Protein change: p.Pro69=; no amino-acid change (proline 69 retained).
Molecular consequence: synonymous variant.
Genome position (GRCh38, 1-based): chr22:19,962,733, C>T. VCF-style: chr22-19962733-C-T. GRCh37 (hg19) VCF-style: chr22-19950256-C-T.
Other names: c.207C>T, p.Pro69= (NM_001135161.2, NM_001135162.2, NM_001362828.2); c.57C>T, p.Pro19= (NM_007310.3).
Identifiers: ClinVar variation 3046309 (VCV003046309.2), dbSNP rs745542046, ClinGen allele CA10104482.